The following is an entry in ClinVar:

NM_000077.5(CDKN2A):c.462C>T (p.Ile154=)

Gene: CDKN2A (cyclin dependent kinase inhibitor 2A; minus strand). Cytogenetic location: 9p21.3.
Variant type: single nucleotide variant.
Coding change: c.462C>T on transcript NM_000077.5; coding-DNA position 462, C replaced by T.
Protein change: p.Ile154=; no amino-acid change (isoleucine 154 retained).
Molecular consequence: synonymous variant (on NM_000077.6). On other transcripts: 3 prime UTR variant (3).
Genome position (GRCh38, 1-based): chr9:21,968,238, G>A on the plus strand (C>T on the coding strand, the complement: CDKN2A is on the minus strand). VCF-style: chr9-21968238-G-A. GRCh37 (hg19) VCF-style: chr9-21968237-G-A.
Other names: c.462C>T, p.Ile154= (NM_000077.6); c.*155C>T (NM_001195132.2); c.309C>T, p.Ile103= (NM_001363763.2); c.*106C>T (NM_058195.4); c.*385C>T (NM_058197.5).
Identifiers: ClinVar variation 1528240 (VCV001528240.10), dbSNP rs1554653281, ClinGen allele CA373085071.

ClinVar aggregate classification (germline): Benign/Likely benign. Review status: criteria provided, multiple submitters, no conflicts (2 of 4 stars). 3 submissions from 3 submitters: Benign (1); Likely benign (2). Last evaluated 2026-04-25.

Conditions:
Familial melanoma. Also called: Hereditary melanoma; Hereditary cutaneous melanoma. Identifiers: Orphanet 618, MedGen C1512419, MONDO:0018961.
Melanoma-pancreatic cancer syndrome. Identifiers: Orphanet 404560, MedGen C1838547, MONDO:0011713, OMIM 606719. Disease mechanism: loss of function.
Hereditary cancer-predisposing syndrome. Also called: Tumor predisposition; Neoplastic Syndromes, Hereditary; Hereditary Cancer Syndrome; Hereditary neoplastic syndrome. Identifiers: Orphanet 140162, MedGen C0027672, MeSH D009386, MONDO:0015356.

Allele frequency attached by ClinVar (database versions not stated): gnomAD exomes below 0.00001.
gnomAD v4.1: 1 of 1,614,012 alleles (0.000062%); highest among the groups gnomAD compares: South Asian, 0.0011%; no homozygotes.

Submissions (3):

Ambry Genetics
Classification: Likely benign for Hereditary cancer-predisposing syndrome. Last evaluated: 2026-04-25. Review status: criteria provided, single submitter. Criteria: Ambry Variant Classification Scheme 2023. Collection method: clinical testing. Allele origin: germline.

Myriad Genetics, Inc.
Classification: Benign for Melanoma-pancreatic cancer syndrome. Last evaluated: 2025-08-20. Review status: criteria provided, single submitter. Criteria: Myriad Autosomal Dominant, Autosomal Recessive and X-Linked Classification Criteria (2023). Collection method: clinical testing. Allele origin: unknown.
Comment: This variant is considered benign. This variant is a silent/synonymous amino acid change and it is not expected to impact splicing.

Labcorp Genetics (formerly Invitae), Labcorp
Classification: Likely benign for Familial melanoma. Last evaluated: 2021-08-23. Review status: criteria provided, single submitter. Criteria: Invitae Variant Classification Sherloc (09022015). Collection method: clinical testing. Allele origin: germline.